The following is an entry in ClinVar:

NM_144687.4(NLRP12):c.1343G>C (p.Gly448Ala)

Gene: NLRP12 (NLR family pyrin domain containing 12; minus strand). Cytogenetic location: 19q13.42.
Variant type: single nucleotide variant.
Coding change: c.1343G>C on transcript NM_144687.4 (MANE Select); coding-DNA position 1343, G replaced by C.
Protein change: p.Gly448Ala; replaces glycine 448 with alanine.
Molecular consequence: missense variant.
Genome position (GRCh38, 1-based): chr19:53,810,316, C>G on the plus strand (G>C on the coding strand, the complement: NLRP12 is on the minus strand). VCF-style: chr19-53810316-C-G. GRCh37 (hg19) VCF-style: chr19-54313570-C-G.
Other names: c.1343G>C, p.Gly448Ala (NM_001277126.2, NM_001277129.1); short protein forms G448A.
Identifiers: ClinVar variation 97886 (VCV000097886.43), dbSNP rs104895566, ClinGen allele CA224930.
Genomic context (GRCh38, chr19:53,810,316, plus strand): 5'-CCATCTGCCGCCAAGGAGCACAACCCTCTCTGGTTGGGTGGGGGCTGGAGGCGCGGGGCC[C>G]CCGGCTTGGGTTGCATCAGACTCAGCAGGTAGAGCATGTACACTGCAGTGGTGGTCCTGG-3'
Protein context (NP_653288.1, residues 438-458): YLLSLMQPKP[Gly448Ala]APRLQPPPNQ

ClinVar aggregate classification (germline): Conflicting classifications of pathogenicity. Review status: criteria provided, conflicting classifications (1 of 4 stars). 8 submissions from 8 submitters: Uncertain significance (4); Likely benign (2). 2 of the submissions do not count toward it. Last evaluated 2026-05-01.

Conditions:
NLRP12-related disorder. Also called: NLRP12-related conditions; NLRP12-related condition.
Familial cold autoinflammatory syndrome 2 (FCAS2). Identifiers: Orphanet 247868, MedGen C2673198, MONDO:0012724, OMIM 611762.

Allele frequency attached by ClinVar (database versions not stated): gnomAD 0.00003; ESP Exome Variant Server 0.00008.
gnomAD v4.1: 123 of 1,613,554 alleles (0.0076%); highest among the groups gnomAD compares: Middle Eastern, 0.082%; 1 homozygote.

Submissions (8):

CeGaT Center for Human Genetics Tuebingen
Classification: Likely benign. Last evaluated: 2026-05-01. Review status: criteria provided, single submitter. Criteria: CeGaT Center For Human Genetics Tuebingen Variant Classification Criteria Version 2. Collection method: clinical testing. Allele origin: germline. Affected: yes. Observed: 3 variant alleles.
Comment: NLRP12: BS1

Labcorp Genetics (formerly Invitae), Labcorp
Classification: Uncertain significance for Familial cold autoinflammatory syndrome 2. Last evaluated: 2025-12-21. Review status: criteria provided, single submitter. Criteria: Invitae Variant Classification Sherloc (09022015). Collection method: clinical testing. Allele origin: germline.
Comment: This sequence change replaces glycine, which is neutral and non-polar, with alanine, which is neutral and non-polar, at codon 448 of the NLRP12 protein (p.Gly448Ala). This variant is present in population databases (rs104895566, gnomAD 0.01%). This missense change has been observed in individuals with familial cold autoinflammatory syndrome (PMID: 24064030, 38343435). ClinVar contains an entry for this variant (Variation ID: 97886). Invitae Evidence Modeling of protein sequence and biophysical properties (such as structural, functional, and spatial information, amino acid conservation, physicochemical variation, residue mobility, and thermodynamic stability) indicates that this missense variant is not expected to disrupt NLRP12 protein function with a negative predictive value of 80%. In summary, the available evidence is currently insufficient to determine the role of this variant in disease. Therefore, it has been classified as a Variant of Uncertain Significance.

Women's Health and Genetics/Laboratory Corporation of America, LabCorp
Classification: Likely benign. Last evaluated: 2025-10-29. Review status: criteria provided, single submitter. Criteria: LabCorp Variant Classification Summary - May 2015. Collection method: clinical testing. Allele origin: germline.
Comment: Variant summary: NLRP12 c.1343G>C (p.Gly448Ala) results in a non-conservative amino acid change in the encoded protein sequence. Algorithms developed to predict the effect of missense changes on protein structure and function are either unavailable or do not agree on the potential impact of this missense change. The variant allele was found at a frequency of 4.8e-05 in 250486 control chromosomes. The observed variant frequency exceeds the estimated maximal expected allele frequency for disease-causing variants in NLRP12. c.1343G>C has been observed in the presumed heterozygous state in multiple individual(s) affected with clinical features of Familial cold autoinflammatory syndrome 2 (example, Vitale_2013, Demir_2023, Yun_2023) without strong evidence for causality. These report(s) do not provide unequivocal conclusions about association of the variant with Familial cold autoinflammatory syndrome 2. To our knowledge, no experimental evidence demonstrating an impact on protein function has been reported. The following publications have been ascertained in the context of this evaluation (PMID: 37928541, 30788684, 40556386, 31820221, 37443800, 38123482, 37140617, 24064030, 37396539, 35852776, 32725138, 37877365, 27633793, 38343435, 34867986, 34535969, 24953660). ClinVar contains an entry for this variant (Variation ID: 97886). Based on the evidence outlined above, the variant was classified as likely benign.

Department of Pathology and Laboratory Medicine, Sinai Health System
Classification: Uncertain significance for Familial cold autoinflammatory syndrome 2. Last evaluated: 2022-03-21. Review status: criteria provided, single submitter. Criteria: ACMG Guidelines, 2015. Collection method: research. Allele origin: germline.

Center for Genomics, Ann and Robert H. Lurie Children's Hospital of Chicago
Classification: Uncertain significance for Familial cold autoinflammatory syndrome 2. Last evaluated: 2021-03-30. Review status: criteria provided, single submitter. Criteria: ACMG Guidelines, 2015. Collection method: clinical testing. Allele origin: germline.
Comment: NLRP12 NM_144687 exon 3 p.Gly448Ala (c.1343G>C): This variant has not been reported in the literature but is present in 12/126260 European alleles in the Genome Aggregation Database. This variant is present in ClinVar (Variation ID:97886). Evolutionary conservation and computational predictive tools for this variant are unclear. In summary, data on this variant is insufficient for disease classification. Therefore, the clinical significance of this variant is uncertain.

GeneDx
Classification: Uncertain significance. Last evaluated: 2017-08-22. Review status: criteria provided, single submitter. Criteria: GeneDx Variant Classification (06012015). Collection method: clinical testing. Allele origin: germline. Affected: yes.
Comment: The G448A variant in the NLRP12 gene has been reported in an individual with late onset autoinflammatory disorder (Vitale et al., 2013). The G448A variant is observed in 7/65966 (0.011%) alleles from individuals of non-Finnish European background, in the ExAC dataset (Lek et al., 2016). The G448A variant is a conservative amino acid substitution, which is not likely to impact secondary protein structure as these residues share similar properties. This substitution occurs at a position that is conserved in mammals. In silico analysis is inconsistent in its predictions as to whether or not the variant is damaging to the protein structure/function.

PreventionGenetics, part of Exact Sciences
Classification: Uncertain significance for NLRP12-related condition. Last evaluated: 2024-09-11. Review status: no assertion criteria provided. Collection method: clinical testing. Allele origin: germline. Not counted in ClinVar's aggregate classification.
Comment: The NLRP12 c.1343G>C variant is predicted to result in the amino acid substitution p.Gly448Ala. The variant has been reported in an individual with later onset, chronic NLRP12-autoinflammatory disorder, also known as familial cold autoinflammatory syndrome (Vitale et al. 2013. PubMed ID: 24064030). This variant is reported in 0.0078% of alleles in individuals of European (Non-Finnish) descent in gnomAD. At this time, the clinical significance of this variant is uncertain due to the absence of conclusive functional and genetic evidence.

Unité médicale des maladies autoinflammatoires, CHRU Montpellier
No classification provided. Review status: no classification provided. Collection method: not provided. Allele origin: unknown. Not counted in ClinVar's aggregate classification.

Literature cited by the submitters: PubMed 24064030 (cited by Labcorp Genetics (formerly Invitae), Labcorp and Women's Health and Genetics/Laboratory Corporation of America, LabCorp); PubMed 38343435 (cited by Labcorp Genetics (formerly Invitae), Labcorp and Women's Health and Genetics/Laboratory Corporation of America, LabCorp); PubMed 30788684 (cited by Women's Health and Genetics/Laboratory Corporation of America, LabCorp); PubMed 37928541 (cited by Women's Health and Genetics/Laboratory Corporation of America, LabCorp); PubMed 34535969 (cited by Women's Health and Genetics/Laboratory Corporation of America, LabCorp); PubMed 24953660 (cited by Women's Health and Genetics/Laboratory Corporation of America, LabCorp); PubMed 27633793 (cited by Women's Health and Genetics/Laboratory Corporation of America, LabCorp); PubMed 32725138 (cited by Women's Health and Genetics/Laboratory Corporation of America, LabCorp); PubMed 35852776 (cited by Women's Health and Genetics/Laboratory Corporation of America, LabCorp); PubMed 37396539 (cited by Women's Health and Genetics/Laboratory Corporation of America, LabCorp); PubMed 37140617 (cited by Women's Health and Genetics/Laboratory Corporation of America, LabCorp); PubMed 34867986 (cited by Women's Health and Genetics/Laboratory Corporation of America, LabCorp); PubMed 38123482 (cited by Women's Health and Genetics/Laboratory Corporation of America, LabCorp); PubMed 37443800 (cited by Women's Health and Genetics/Laboratory Corporation of America, LabCorp); PubMed 31820221 (cited by Women's Health and Genetics/Laboratory Corporation of America, LabCorp); PubMed 40556386 (cited by Women's Health and Genetics/Laboratory Corporation of America, LabCorp); PubMed 37877365 (cited by Women's Health and Genetics/Laboratory Corporation of America, LabCorp).